The following is an entry in ClinVar:

NM_001039570.3(KREMEN1):c.1266G>A (p.Ser422=)

Gene: KREMEN1 (kringle containing transmembrane protein 1; plus strand). Cytogenetic location: 22q12.1.
Variant type: single nucleotide variant.
Coding change: c.1266G>A on transcript NM_001039570.3 (MANE Select); coding-DNA position 1266, G replaced by A.
Protein change: p.Ser422=; no amino-acid change (serine 422 retained).
Molecular consequence: synonymous variant.
Genome position (GRCh38, 1-based): chr22:29,142,001, G>A. VCF-style: chr22-29142001-G-A. GRCh37 (hg19) VCF-style: chr22-29537989-G-A.
Other names: c.1317G>A, p.Ser439= (NM_032045.5).
Identifiers: ClinVar variation 779479 (VCV000779479.33), dbSNP rs117146420, ClinGen allele CA10170272.

ClinVar aggregate classification (germline): Benign. Review status: criteria provided, multiple submitters, no conflicts (2 of 4 stars). 4 submissions from 4 submitters: Benign (4). Last evaluated 2026-01-19.

Conditions:
KREMEN1-related disorder. Also called: KREMEN1-related condition.

Allele frequency attached by ClinVar (database versions not stated): 1000 Genomes Project 30x 0.00141; 1000 Genomes Project 0.00160; TOPMed 0.00675; gnomAD 0.00691 and 0.00728; gnomAD exomes 0.00705 and 0.00993; ExAC 0.00789; ESP Exome Variant Server 0.00870.
gnomAD v4.1: 15,427 of 1,613,198 alleles (0.96%); highest among the groups gnomAD compares: Non-Finnish European, 1.2%; 99 homozygotes.

Submissions (4):

Labcorp Genetics (formerly Invitae), Labcorp
Classification: Benign. Last evaluated: 2026-01-19. Review status: criteria provided, single submitter. Criteria: Invitae Variant Classification Sherloc (09022015). Collection method: clinical testing. Allele origin: germline.

PreventionGenetics, part of Exact Sciences
Classification: Benign for KREMEN1-related condition. Last evaluated: 2025-12-04. Review status: criteria provided, single submitter. Criteria: ACMG Guidelines, 2015. Collection method: clinical testing. Allele origin: germline.
Comment: This variant is classified as benign based on ACMG/AMP sequence variant interpretation guidelines (Richards et al. 2015 PMID: 25741868, with internal and published modifications).

CeGaT Center for Human Genetics Tuebingen
Classification: Benign. Last evaluated: 2025-02-01. Review status: criteria provided, single submitter. Criteria: CeGaT Center For Human Genetics Tuebingen Variant Classification Criteria Version 2. Collection method: clinical testing. Allele origin: germline. Affected: yes. Observed: 2 variant alleles.
Comment: KREMEN1: BP4, BP7, BS1, BS2

Breakthrough Genomics
Classification: Benign. Review status: criteria provided, single submitter. Criteria: ACMG Guidelines, 2015. Collection method: not provided. Allele origin: germline. Inheritance: Autosomal recessive inheritance. Affected: yes.